The following is an entry in ClinVar:

NM_006206.6(PDGFRA):c.1673G>A (p.Arg558His)

Gene: PDGFRA (platelet derived growth factor receptor alpha; plus strand). Cytogenetic location: 4q12.
Variant type: single nucleotide variant.
Coding change: c.1673G>A on transcript NM_006206.6 (MANE Select); coding-DNA position 1673, G replaced by A.
Protein change: p.Arg558His; replaces arginine 558 with histidine.
Molecular consequence: missense variant.
Genome position (GRCh38, 1-based): chr4:54,274,860, G>A. VCF-style: chr4-54274860-G-A. GRCh37 (hg19) VCF-style: chr4-55141027-G-A.
Other names: c.1673G>A (NM_006206.5); c.1673G>A, p.Arg558His (NM_001347827.2, NM_001347829.2); c.1748G>A, p.Arg583His (NM_001347828.2); c.1712G>A, p.Arg571His (NM_001347830.2); short protein forms R558H, R571H, R583H.
Identifiers: ClinVar variation 240314 (VCV000240314.19), dbSNP rs761924292, ClinGen allele CA2922659.

ClinVar aggregate classification (germline): Conflicting classifications of pathogenicity. Review status: criteria provided, conflicting classifications (1 of 4 stars). 6 submissions from 6 submitters: Uncertain significance (4); Likely benign (2). Last evaluated 2026-08-26.

Conditions:
Polyps, multiple and recurrent inflammatory fibroid, gastrointestinal. Identifiers: MedGen C5193005, MONDO:0008285, OMIM 175510.
PDGFRA-related disorder. Also called: PDGFRA-related condition.
Hereditary cancer-predisposing syndrome. Also called: Neoplastic Syndromes, Hereditary; Hereditary neoplastic syndrome; Hereditary Cancer Syndrome; Tumor predisposition. Identifiers: Orphanet 140162, MedGen C0027672, MeSH D009386, MONDO:0015356.
Gastrointestinal stromal tumor. Also called: Gastrointestinal stromal tumor, somatic; Gastrointestinal stroma tumor. Identifiers: Orphanet 44890, MedGen C0238198, MeSH D046152, MONDO:0011719, OMIM 606764, HP:0100723.
Idiopathic hypereosinophilic syndrome (HES). Identifiers: Orphanet 3260, MedGen C0206141, MONDO:0011895, OMIM 607685. Disease mechanism: gain of function.

Allele frequency attached by ClinVar (database versions not stated): TOPMed 0.00003; ExAC 0.00004; gnomAD exomes 0.00006 and 0.00003; gnomAD 0.00002.
gnomAD v4.1: 94 of 1,613,936 alleles (0.0058%); highest among the groups gnomAD compares: Non-Finnish European, 0.0071%; no homozygotes.

Submissions (6):

PreventionGenetics, part of Exact Sciences
Classification: Uncertain significance for PDGFRA-related condition. Last evaluated: 2026-08-26. Review status: criteria provided, single submitter. Criteria: ACMG Guidelines, 2015. Collection method: clinical testing. Allele origin: germline.
Comment: The PDGFRA c.1673G>A variant is predicted to result in the amino acid substitution p.Arg558His. This variant has been observed in an individual with low grade myxoid liposarcoma and reported as a variant of uncertain significance (reported as c.1748G>A (p.Arg583His) using the alternative transcript NM_001347828.2 in Table S5, Carvalho et al. 2023. PubMed ID: 37536918). This variant is reported in 0.0065% of alleles in individuals of South Asian descent in gnomAD. In an updated version of the population database (gnomAD v4.1.0), this variant is observed in 94 heterozygous alleles, which is likely too frequent to be a primary cause of disease. This variant has conflicting interpretations in ClinVar ranging from uncertain to likely benign (Variation ID: 240314). Although we suspect that this variant may be benign, at this time, the clinical significance of this variant is uncertain due to the absence of conclusive functional and genetic evidence.

Myriad Genetics, Inc.
Classification: Likely benign for Polyps, multiple and recurrent inflammatory fibroid, gastrointestinal. Last evaluated: 2026-06-15. Review status: criteria provided, single submitter. Criteria: Myriad Autosomal Dominant, Autosomal Recessive and X-Linked Classification Criteria (2023). Collection method: clinical testing. Allele origin: unknown.
Comment: This variant is considered likely benign. This variant has been observed at a population frequency that is significantly greater than expected given the associated disease prevalence and penetrance.

Labcorp Genetics (formerly Invitae), Labcorp
Classification: Uncertain significance for Gastrointestinal stromal tumor. Last evaluated: 2025-11-17. Review status: criteria provided, single submitter. Criteria: Invitae Variant Classification Sherloc (09022015). Collection method: clinical testing. Allele origin: germline.
Comment: This sequence change replaces arginine, which is basic and polar, with histidine, which is basic and polar, at codon 558 of the PDGFRA protein (p.Arg558His). This variant is present in population databases (rs761924292, gnomAD 0.006%). This variant has not been reported in the literature in individuals affected with PDGFRA-related conditions. ClinVar contains an entry for this variant (Variation ID: 240314). Invitae Evidence Modeling of protein sequence and biophysical properties (such as structural, functional, and spatial information, amino acid conservation, physicochemical variation, residue mobility, and thermodynamic stability) has been performed for this missense variant. However, the output from this modeling did not meet the statistical confidence thresholds required to predict the impact of this variant on PDGFRA protein function. In summary, the available evidence is currently insufficient to determine the role of this variant in disease. Therefore, it has been classified as a Variant of Uncertain Significance.

GeneDx
Classification: Uncertain significance. Last evaluated: 2024-02-25. Review status: criteria provided, single submitter. Criteria: GeneDx Variant Classification Process June 2021. Collection method: clinical testing. Allele origin: germline. Affected: yes.
Comment: In silico analysis supports that this missense variant has a deleterious effect on protein structure/function; Has not been previously published as pathogenic or benign to our knowledge; This variant is associated with the following publications: (PMID: 31548343)

Ambry Genetics
Classification: Likely benign for Hereditary cancer-predisposing syndrome. Last evaluated: 2023-02-09. Review status: criteria provided, single submitter. Criteria: Ambry Variant Classification Scheme 2023. Collection method: clinical testing. Allele origin: germline.

Revvity Omics, Revvity
Classification: Uncertain significance for Idiopathic hypereosinophilic syndrome. Last evaluated: 2021-01-19. Review status: criteria provided, single submitter. Criteria: ACMG Guidelines, 2015. Collection method: clinical testing. Allele origin: germline.